The following is an entry in ClinVar:

NM_001367561.1(DOCK7):c.5233G>A (p.Val1745Ile)

Gene: DOCK7 (dedicator of cytokinesis 7; minus strand). Cytogenetic location: 1p31.3.
Variant type: single nucleotide variant.
Coding change: c.5233G>A on transcript NM_001367561.1 (MANE Select); coding-DNA position 5233, G replaced by A.
Protein change: p.Val1745Ile; replaces valine 1745 with isoleucine.
Molecular consequence: missense variant.
Genome position (GRCh38, 1-based): chr1:62,492,832, C>T on the plus strand (G>A on the coding strand, the complement: DOCK7 is on the minus strand). VCF-style: chr1-62492832-C-T. GRCh37 (hg19) VCF-style: chr1-62958503-C-T.
Other names: c.5206G>A, p.Val1736Ile (NM_001271999.2, NM_001330614.2); c.5113G>A, p.Val1705Ile (NM_001272000.2, NM_001272001.2); c.5140G>A, p.Val1714Ile (NM_033407.4); short protein forms V1745I, V1714I, V1705I, V1736I.
Identifiers: ClinVar variation 858587 (VCV000858587.8), dbSNP rs1646505300, ClinGen allele CA340611609.
Genomic context (GRCh38, chr1:62,492,832, plus strand): 5'-AGCAGATACCTTCTTCATCTGGAGATACCACATCATCTGAGACCGCAGATTCTTCTAAAA[C>T]ATTAGATGAAATATTCTAGGGAAAAAATATATTGAAAAGGTTTTTGAAACAGAATTTTCT-3'
Protein context (NP_001354490.1, residues 1735-1755): CVTFQNISSN[Val1745Ile]LEESAVSDDV

ClinVar aggregate classification (germline): Uncertain significance. Review status: criteria provided, multiple submitters, no conflicts (2 of 4 stars). 2 submissions from 2 submitters: Uncertain significance (2). Last evaluated 2023-07-10.

Conditions:
Developmental and epileptic encephalopathy, 23 (DEE23). Also called: Epileptic encephalopathy, early infantile, 23. Identifiers: Orphanet 411986, MedGen C4014492, MONDO:0014371, OMIM 615859.

Allele frequency attached by ClinVar (database versions not stated): gnomAD exomes 0.00001.
gnomAD v4.1: 16 of 1,611,356 alleles (0.00099%); highest among the groups gnomAD compares: Non-Finnish European, 0.0013%; no homozygotes.

Submissions (2):

GeneDx
Classification: Uncertain significance. Last evaluated: 2023-07-10. Review status: criteria provided, single submitter. Criteria: GeneDx Variant Classification Process June 2021. Collection method: clinical testing. Allele origin: germline. Affected: yes.
Comment: Not observed at significant frequency in large population cohorts (gnomAD); In silico analysis supports that this missense variant does not alter protein structure/function; Has not been previously published as pathogenic or benign to our knowledge

Labcorp Genetics (formerly Invitae), Labcorp
Classification: Uncertain significance for Developmental and epileptic encephalopathy, 23. Last evaluated: 2021-08-28. Review status: criteria provided, single submitter. Criteria: Invitae Variant Classification Sherloc (09022015). Collection method: clinical testing. Allele origin: germline.
Comment: This sequence change replaces valine with isoleucine at codon 1736 of the DOCK7 protein (p.Val1736Ile). The valine residue is highly conserved and there is a small physicochemical difference between valine and isoleucine. This variant is not present in population databases (ExAC no frequency). This variant has not been reported in the literature in individuals affected with DOCK7-related conditions. Algorithms developed to predict the effect of missense changes on protein structure and function (SIFT, PolyPhen-2, Align-GVGD) all suggest that this variant is likely to be tolerated. In summary, the available evidence is currently insufficient to determine the role of this variant in disease. Therefore, it has been classified as a Variant of Uncertain Significance.